The following is an entry in ClinVar:

ClinVar aggregate classification (germline): Likely benign (1 of 4 stars; one submission).

Conditions:
GLIS3-related disorder. Also called: GLIS3-related condition.

gnomAD v4.1: 9 of 1,614,054 alleles (0.00056%); highest among the groups gnomAD compares: African/African-American, 0.0013%; no homozygotes.

Submission:

PreventionGenetics, part of Exact Sciences
Classification: Likely benign for GLIS3-related condition. Last evaluated: 2026-05-08. Review status: criteria provided, single submitter. Criteria: ACMG Guidelines, 2015. Collection method: clinical testing. Allele origin: germline.
Comment: This variant is classified as likely benign based on ACMG/AMP sequence variant interpretation guidelines (Richards et al. 2015 PMID: 25741868, with internal and published modifications).

NM_001042413.2(GLIS3):c.1710+9C>T

Gene: GLIS3 (GLIS family zinc finger 3; minus strand). Cytogenetic location: 9p24.2.
Variant type: single nucleotide variant.
Coding change: c.1710+9C>T on transcript NM_001042413.2 (MANE Select); 9 bases into the intron after coding-DNA position 1710, C replaced by T.
Molecular consequence: intron variant.
Genome position (GRCh38, 1-based): chr9:4,117,759, G>A on the plus strand (C>T on the coding strand, the complement: GLIS3 is on the minus strand). VCF-style: chr9-4117759-G-A. GRCh37 (hg19) VCF-style: chr9-4117759-G-A.
Other names: c.1044+9C>T (NM_001438912.1, NM_001438911.1, NM_001438916.1); c.1245+9C>T (NM_001438909.1, NM_152629.4, NM_001438915.1); c.1710+9C>T (NM_001438908.1, NM_001438906.1, NM_001438907.1 and 2 more transcripts).
Identifiers: ClinVar variation 4979585 (VCV004979585.1).